The following is an entry in ClinVar:

ClinVar aggregate classification (germline): Likely benign. Review status: criteria provided, multiple submitters, no conflicts (2 of 4 stars). 4 submissions from 4 submitters: Likely benign (4). Last evaluated 2026-03-01.

Conditions:
BCL11B-related disorder. Also called: BCL11B-Related Disorders.

Submissions (4):

CeGaT Center for Human Genetics Tuebingen
Classification: Likely benign. Last evaluated: 2026-03-01. Review status: criteria provided, single submitter. Criteria: CeGaT Center For Human Genetics Tuebingen Variant Classification Criteria Version 2. Collection method: clinical testing. Allele origin: germline. Affected: yes. Observed: 2 variant alleles.
Comment: BCL11B: BS1

Labcorp Genetics (formerly Invitae), Labcorp
Classification: Likely benign. Last evaluated: 2026-02-02. Review status: criteria provided, single submitter. Criteria: Invitae Variant Classification Sherloc (09022015). Collection method: clinical testing. Allele origin: germline.

PreventionGenetics, part of Exact Sciences
Classification: Likely benign for BCL11B-related condition. Last evaluated: 2025-02-10. Review status: criteria provided, single submitter. Criteria: ACMG Guidelines, 2015. Collection method: clinical testing. Allele origin: germline.
Comment: This variant is classified as likely benign based on ACMG/AMP sequence variant interpretation guidelines (Richards et al. 2015 PMID: 25741868, with internal and published modifications).

Blueprint Genetics
Classification: Likely benign. Last evaluated: 2024-11-21. Review status: criteria provided, single submitter. Criteria: ACMG Guidelines, 2015. Collection method: clinical testing. Allele origin: germline.

NM_138576.4(BCL11B):c.1603GAG[10] (p.Glu543dup)

Gene: BCL11B (BCL11 transcription factor B; minus strand). Cytogenetic location: 14q32.2.
Variant type: Microsatellite.
Coding change: c.1603GAG[10] on transcript NM_138576.4 (MANE Select); ten copies in a row of the 3-base unit GAG starting at c.1603; the reference has nine copies in a row; one copy, 3 bases duplicated.
Protein change: p.Glu543dup; duplicates glutamic acid 543.
Molecular consequence: inframe insertion.
Genome position (GRCh38, 1-based): chr14:99,175,207-99,175,209, CTC duplicated on the plus strand (GAG on the coding strand, the reverse complement: BCL11B is on the minus strand); duplicating any 3 consecutive bases within chr14:99,175,207-99,175,233 gives the same sequence; the position shown is the placement nearest the transcript's 3' end. VCF-style (leftmost placement, unchanged base first): chr14-99175206-G-GCTC. GRCh37 (hg19) VCF-style: chr14-99641543-G-GCTC.
Other names: c.1414_1416dupGAG (NM_022898.2); c.1600GAG[10], p.Glu542dup (NM_001282237.2); c.1387GAG[10], p.Glu471dup (NM_001282238.2); c.1390GAG[10], p.Glu472dup (NM_022898.3).
Identifiers: ClinVar variation 1596782 (VCV001596782.17), dbSNP rs761352760, ClinGen allele CA7339636.